The following is an entry in ClinVar:

ClinVar aggregate classification (germline): Likely benign. Review status: criteria provided, multiple submitters, no conflicts (2 of 4 stars). 2 submissions from 2 submitters: Likely benign (2). Last evaluated 2026-01-16.

Allele frequency attached by ClinVar (database versions not stated): ExAC 0.00002; gnomAD 0.00004; TOPMed 0.00005; ESP Exome Variant Server 0.00008.
gnomAD v4.1: 31 of 1,614,108 alleles (0.0019%); highest among the groups gnomAD compares: East Asian, 0.0045%; no homozygotes.

Submissions (2):

Women's Health and Genetics/Laboratory Corporation of America, LabCorp
Classification: Likely benign. Last evaluated: 2026-01-16. Review status: criteria provided, single submitter. Criteria: LabCorp Variant Classification Summary - May 2015. Collection method: clinical testing. Allele origin: germline.

GeneDx
Classification: Likely benign. Last evaluated: 2020-07-31. Review status: criteria provided, single submitter. Criteria: GeneDx Variant Classification Process June 2021. Collection method: clinical testing. Allele origin: germline. Affected: yes.
Comment: See Variant Classification Assertion Criteria.

NM_005422.4(TECTA):c.5598G>A (p.Thr1866=)

Genes: TBCEL-TECTA (TBCEL-TECTA readthrough; plus strand), TECTA (tectorin alpha; plus strand). Cytogenetic location: 11q23.3.
Variant type: single nucleotide variant.
Coding change: c.5598G>A on transcript NM_005422.4 (MANE Select); coding-DNA position 5598, G replaced by A.
Protein change: p.Thr1866=; no amino-acid change (threonine 1866 retained).
Molecular consequence: synonymous variant.
Genome position (GRCh38, 1-based): chr11:121,168,065, G>A. VCF-style: chr11-121168065-G-A. GRCh37 (hg19) VCF-style: chr11-121038774-G-A.
Other names: c.6540G>A, p.Thr2180= (NM_001378761.1).
Identifiers: ClinVar variation 3252881 (VCV003252881.2), dbSNP rs146930070.
Genomic context (GRCh38, chr11:121,168,065, plus strand): 5'-CATACTCACTCCCAGATGTAACGATTTCTGACTTCCCCTTGTTCTGCAGTCCAATGGCAC[G>A]CATATCATGTATAAAAACACACTCTGGATCGAAAGCGCCAACAACACTGGCAACATCATC-3'
Protein context (NP_005413.2, residues 1856-1876): NCGNIVQSNG[Thr1866=]HIMYKNTLWI